The following is an entry in ClinVar:

ClinVar aggregate classification (germline): Likely pathogenic (1 of 4 stars; one submission).

Submission:

CeGaT Center for Human Genetics Tuebingen
Classification: Likely pathogenic. Last evaluated: 2022-09-01. Review status: criteria provided, single submitter. Criteria: CeGaT Center For Human Genetics Tuebingen Variant Classification Criteria Version 2. Collection method: clinical testing. Allele origin: germline. Affected: yes. Observed: 1 variant allele.
Comment: COL12A1: PVS1:Strong, PM2

NM_004370.6(COL12A1):c.6507T>A (p.Tyr2169Ter)

Gene: COL12A1 (collagen type XII alpha 1 chain; minus strand). Cytogenetic location: 6q13.
Variant type: single nucleotide variant.
Coding change: c.6507T>A on transcript NM_004370.6 (MANE Select); coding-DNA position 6507, T replaced by A.
Protein change: p.Tyr2169Ter; replaces tyrosine 2169 with a stop codon.
Molecular consequence: nonsense.
Genome position (GRCh38, 1-based): chr6:75,125,227, A>T on the plus strand (T>A on the coding strand, the complement: COL12A1 is on the minus strand). VCF-style: chr6-75125227-A-T. GRCh37 (hg19) VCF-style: chr6-75834943-A-T.
Other names: c.3015T>A, p.Tyr1005Ter (NM_080645.3); short protein forms Y1005*, Y2169*.
Identifiers: ClinVar variation 1711631 (VCV001711631.30), dbSNP rs1765954963, ClinGen allele CA364729476.